The following is an entry in ClinVar:

ClinVar aggregate classification (germline): Uncertain significance (1 of 4 stars; one submission).

Conditions:
Hereditary cancer-predisposing syndrome. Also called: Neoplastic Syndromes, Hereditary; Tumor predisposition; Hereditary neoplastic syndrome; Hereditary Cancer Syndrome. Identifiers: Orphanet 140162, MedGen C0027672, MeSH D009386, MONDO:0015356.

Submission:

Color Diagnostics, LLC DBA Color Health
Classification: Uncertain significance for Hereditary cancer-predisposing syndrome. Last evaluated: 2021-11-15. Review status: criteria provided, single submitter. Criteria: ACMG Guidelines, 2015. Collection method: clinical testing. Allele origin: germline.
Comment: This variant causes a single nucleotide substitution in the 5' untranslated region of the CDKN2A (p16INK4A) gene. To our knowledge, functional studies have not been reported for this variant. This variant has not been reported in individuals affected with hereditary cancer in the literature. This variant has not been identified in the general population by the Genome Aggregation Database (gnomAD). The available evidence is insufficient to determine the role of this variant in disease conclusively. Therefore, this variant is classified as a Variant of Uncertain Significance.

NM_000077.5(CDKN2A):c.-12G>A

Genes: CDKN2A (cyclin dependent kinase inhibitor 2A; minus strand), LOC130001603 (ATAC-STARR-seq lymphoblastoid silent region 19811; plus strand). Cytogenetic location: 9p21.3.
Variant type: single nucleotide variant.
Coding change: c.-12G>A on transcript NM_000077.5; 12 bases upstream of the start codon, G replaced by A.
Molecular consequence: 5 prime UTR variant (on NM_001195132.2). On other transcripts: intron variant (2).
Genome position (GRCh38, 1-based): chr9:21,974,839, C>T on the plus strand (G>A on the coding strand, the complement: CDKN2A is on the minus strand). VCF-style: chr9-21974839-C-T. GRCh37 (hg19) VCF-style: chr9-21974838-C-T.
Other names: c.-12G>A (NM_000077.6, NM_001195132.2, NM_058197.5); c.-3-3631G>A (NM_001363763.2); c.194-3631G>A (NM_058195.4).
Identifiers: ClinVar variation 2775058 (VCV002775058.2), dbSNP rs2131114435, ClinGen allele CA2689599242.